The following is an entry in ClinVar:

NM_006343.3(MERTK):c.1274T>C (p.Val425Ala)

Gene: MERTK (MER proto-oncogene, tyrosine kinase; plus strand). Cytogenetic location: 2q13.
Variant type: single nucleotide variant.
Coding change: c.1274T>C on transcript NM_006343.3 (MANE Select); coding-DNA position 1274, T replaced by C.
Protein change: p.Val425Ala; replaces valine 425 with alanine.
Molecular consequence: missense variant.
Genome position (GRCh38, 1-based): chr2:111,982,971, T>C. VCF-style: chr2-111982971-T-C. GRCh37 (hg19) VCF-style: chr2-112740548-T-C.
Other names: short protein forms V425A.
Identifiers: ClinVar variation 1714254 (VCV001714254.5), dbSNP rs1211908818, ClinGen allele CA348235841.
Genomic context (GRCh38, chr2:111,982,971, plus strand): 5'-GGATGAAGCCTCCGACTAAGCAGCAGGATGGAGAACTGGTGGGCTACCGGATATCCCACG[T>C]GTGGCAGAGTGCAGGGATTTCCGTAAGTCTAAACCCTAGAAGAGCACGATTAGTCATCTC-3'
Protein context (NP_006334.2, residues 415-435): GELVGYRISH[Val425Ala]WQSAGISKEL

ClinVar aggregate classification (germline): Uncertain significance (1 of 4 stars; one submission).

Allele frequency attached by ClinVar (database versions not stated): gnomAD exomes below 0.00001.
gnomAD v4.1: 3 of 1,614,136 alleles (0.00019%); highest among the groups gnomAD compares: Non-Finnish European, 0.00017%; no homozygotes.

Submission:

Labcorp Genetics (formerly Invitae), Labcorp
Classification: Uncertain significance. Last evaluated: 2024-10-24. Review status: criteria provided, single submitter. Criteria: Invitae Variant Classification Sherloc (09022015). Collection method: clinical testing. Allele origin: germline.
Comment: This sequence change replaces valine, which is neutral and non-polar, with alanine, which is neutral and non-polar, at codon 425 of the MERTK protein (p.Val425Ala). This variant is present in population databases (no rsID available, gnomAD 0.003%). This variant has not been reported in the literature in individuals affected with MERTK-related conditions. ClinVar contains an entry for this variant (Variation ID: 1714254). Invitae Evidence Modeling of protein sequence and biophysical properties (such as structural, functional, and spatial information, amino acid conservation, physicochemical variation, residue mobility, and thermodynamic stability) indicates that this missense variant is not expected to disrupt MERTK protein function with a negative predictive value of 80%. In summary, the available evidence is currently insufficient to determine the role of this variant in disease. Therefore, it has been classified as a Variant of Uncertain Significance.